The following is an entry in ClinVar:

NM_001009944.3(PKD1):c.5294C>T (p.Pro1765Leu)

Gene: PKD1 (polycystin 1, transient receptor potential channel interacting; minus strand). Cytogenetic location: 16p13.3.
Variant type: single nucleotide variant.
Coding change: c.5294C>T on transcript NM_001009944.3 (MANE Select); coding-DNA position 5294, C replaced by T.
Protein change: p.Pro1765Leu; replaces proline 1765 with leucine.
Molecular consequence: missense variant.
Genome position (GRCh38, 1-based): chr16:2,109,873, G>A on the plus strand (C>T on the coding strand, the complement: PKD1 is on the minus strand). VCF-style: chr16-2109873-G-A. GRCh37 (hg19) VCF-style: chr16-2159874-G-A.
Other names: c.5294C>T, p.Pro1765Leu (NM_000296.4); short protein forms P1765L.
Identifiers: ClinVar variation 805169 (VCV000805169.3), dbSNP rs577487876, ClinGen allele CA7832044.

ClinVar aggregate classification (germline): Conflicting classifications of pathogenicity. Review status: criteria provided, conflicting classifications (1 of 4 stars). 3 submissions from 3 submitters: Uncertain significance (1); Likely benign (1). 1 of the submissions does not count toward it. Last evaluated 2024-12-15.

Conditions:
Inborn genetic diseases. Identifiers: MedGen C0950123, MeSH D030342.
Polycystic kidney disease. Also called: Kidney, Polycystic; Polycystic kidney dysplasia. Identifiers: MedGen C0022680, MeSH D007690, MONDO:0020642, HP:0000113.

Allele frequency attached by ClinVar (database versions not stated): gnomAD below 0.00001 and 0.00004; TOPMed 0.00001; gnomAD exomes 0.00006 and 0.00015; ExAC 0.00018; 1000 Genomes Project 30x 0.00062; 1000 Genomes Project 0.00080.
gnomAD v4.1: 100 of 1,610,688 alleles (0.0062%); highest among the groups gnomAD compares: South Asian, 0.1%; 1 homozygote.

Submissions (3):

Ambry Genetics
Classification: Likely benign for Inborn genetic diseases. Last evaluated: 2024-12-15. Review status: criteria provided, single submitter. Criteria: Ambry Variant Classification Scheme 2023. Collection method: clinical testing. Allele origin: germline.

Athena Diagnostics
Classification: Uncertain significance. Last evaluated: 2018-10-16. Review status: criteria provided, single submitter. Criteria: Athena Diagnostics Criteria. Collection method: clinical testing. Allele origin: germline.

Department of Pathology and Laboratory Medicine, Sinai Health System
Classification: Uncertain significance for Polycystic Kidney disease. Review status: no assertion criteria provided. Collection method: clinical testing. Allele origin: unknown. Affected: yes. Study: The Canadian Open Genetics Repository (COGR). Not counted in ClinVar's aggregate classification.
Comment: The PKD1 p.Pro1765Leu variant was not identified in the literature nor was it identified in the following databases: ClinVar, COGR, LOVD 3.0, ADPKD Mutation Database, or PKD1-LOVD. The variant was identified in dbSNP (ID: rs577487876) and in control databases in 37 of 244916 chromosomes at a frequency of 0.0002 (Genome Aggregation Database Feb 27, 2017). Observations by population include European Non-Finnish in 1 of 110644 chromosomes (freq: 0.000009), and South Asian in 36 of 30774 chromosomes (freq: 0.0012); the variant was not observed in the African, Other, Latino, Ashkenazi Jewish, East Asian, and European Finnish populations. The p.Pro1765 residue is conserved in mammals and computational analyses (PolyPhen-2, SIFT, AlignGVGD, BLOSUM, MutationTaster) provide inconsistent predictions regarding the impact to the protein; this information is not very predictive of pathogenicity. The variant occurs outside of the splicing consensus sequence and in silico or computational prediction software programs (SpliceSiteFinder, MaxEntScan, NNSPLICE, GeneSplicer, HumanSpliceFinder) do not predict a difference in splicing. In summary, based on the above information, the clinical significance of this variant cannot be determined with certainty at this time. This variant is classified as a variant of uncertain significance.